The following is an entry in ClinVar:

ClinVar aggregate classification (germline): Uncertain significance (1 of 4 stars; one submission).

Allele frequency attached by ClinVar (database versions not stated): gnomAD exomes 0.00001.

Submission:

Labcorp Genetics (formerly Invitae), Labcorp
Classification: Uncertain significance. Last evaluated: 2023-10-19. Review status: criteria provided, single submitter. Criteria: Invitae Variant Classification Sherloc (09022015). Collection method: clinical testing. Allele origin: germline.
Comment: This sequence change replaces methionine, which is neutral and non-polar, with lysine, which is basic and polar, at codon 1474 of the SNRNP200 protein (p.Met1474Lys). This variant is present in population databases (no rsID available, gnomAD 0.01%). This variant has not been reported in the literature in individuals affected with SNRNP200-related conditions. Advanced modeling of protein sequence and biophysical properties (such as structural, functional, and spatial information, amino acid conservation, physicochemical variation, residue mobility, and thermodynamic stability) performed at Invitae indicates that this missense variant is expected to disrupt SNRNP200 protein function. In summary, the available evidence is currently insufficient to determine the role of this variant in disease. Therefore, it has been classified as a Variant of Uncertain Significance.

NM_014014.5(SNRNP200):c.4421T>A (p.Met1474Lys)

Gene: SNRNP200 (small nuclear ribonucleoprotein U5 subunit 200; minus strand). Cytogenetic location: 2q11.2.
Variant type: single nucleotide variant.
Coding change: c.4421T>A on transcript NM_014014.5 (MANE Select); coding-DNA position 4421, T replaced by A.
Protein change: p.Met1474Lys; replaces methionine 1474 with lysine.
Molecular consequence: missense variant.
Genome position (GRCh38, 1-based): chr2:96,283,976, A>T on the plus strand (T>A on the coding strand, the complement: SNRNP200 is on the minus strand). VCF-style: chr2-96283976-A-T. GRCh37 (hg19) VCF-style: chr2-96949714-A-T.
Other names: short protein forms M1474K.
Identifiers: ClinVar variation 3004197 (VCV003004197.3), dbSNP rs1232167421, ClinGen allele CA347665895.